The following is an entry in ClinVar:

ClinVar aggregate classification (germline): Uncertain significance. Review status: criteria provided, multiple submitters, no conflicts (2 of 4 stars). 3 submissions from 3 submitters: Uncertain significance (2). 1 of the submissions does not count toward it. Last evaluated 2025-05-05.

Conditions:
Ataxia-telangiectasia syndrome (AT). Also called: ATAXIA-TELANGIECTASIA, FRESNO VARIANT; Ataxia-telangiectasia, complementation group D; AT, COMPLEMENTATION GROUP C; Ataxia-telangiectasia; Ataxia-telangiectasia, complementation group E; Ataxia telangiectasia (A-T). Identifiers: Orphanet 100, MedGen C0004135, MONDO:0008840, OMIM 208900.
Hereditary cancer-predisposing syndrome. Also called: Tumor predisposition; Neoplastic Syndromes, Hereditary; Hereditary Cancer Syndrome; Hereditary neoplastic syndrome. Identifiers: Orphanet 140162, MedGen C0027672, MeSH D009386, MONDO:0015356.

Submissions (3):

Labcorp Genetics (formerly Invitae), Labcorp
Classification: Uncertain significance for Ataxia-telangiectasia syndrome. Last evaluated: 2025-05-05. Review status: criteria provided, single submitter. Criteria: Invitae Variant Classification Sherloc (09022015). Collection method: clinical testing. Allele origin: germline.
Comment: This sequence change replaces arginine, which is basic and polar, with leucine, which is neutral and non-polar, at codon 982 of the ATM protein (p.Arg982Leu). This variant is present in population databases (no rsID available, gnomAD 0.0009%). This variant has not been reported in the literature in individuals affected with ATM-related conditions. ClinVar contains an entry for this variant (Variation ID: 1058846). Invitae Evidence Modeling of protein sequence and biophysical properties (such as structural, functional, and spatial information, amino acid conservation, physicochemical variation, residue mobility, and thermodynamic stability) indicates that this missense variant is not expected to disrupt ATM protein function with a negative predictive value of 95%. In summary, the available evidence is currently insufficient to determine the role of this variant in disease. Therefore, it has been classified as a Variant of Uncertain Significance.

Ambry Genetics
Classification: Uncertain significance for Hereditary cancer-predisposing syndrome. Last evaluated: 2024-12-13. Review status: criteria provided, single submitter. Criteria: Ambry Variant Classification Scheme 2023. Collection method: clinical testing. Allele origin: germline.
Comment: The p.R982L variant (also known as c.2945G>T), located in coding exon 19 of the ATM gene, results from a G to T substitution at nucleotide position 2945. The arginine at codon 982 is replaced by leucine, an amino acid with dissimilar properties. This amino acid position is well conserved in available vertebrate species. In addition, the in silico prediction for this alteration is inconclusive. Based on the available evidence, the clinical significance of this variant remains unclear.

Natera, Inc.
Classification: Uncertain significance for Ataxia-telangiectasia. Last evaluated: 2021-05-16. Review status: no assertion criteria provided. Collection method: clinical testing. Allele origin: germline. Not counted in ClinVar's aggregate classification.

NM_000051.4(ATM):c.2945G>T (p.Arg982Leu)

Gene: ATM (ATM serine/threonine kinase; plus strand). Cytogenetic location: 11q22.3.
Variant type: single nucleotide variant.
Coding change: c.2945G>T on transcript NM_000051.4 (MANE Select); coding-DNA position 2945, G replaced by T.
Protein change: p.Arg982Leu; replaces arginine 982 with leucine.
Molecular consequence: missense variant.
Genome position (GRCh38, 1-based): chr11:108,271,274, G>T. VCF-style: chr11-108271274-G-T. GRCh37 (hg19) VCF-style: chr11-108142001-G-T.
Other names: c.2945G>T (NM_000051.3); c.2945G>T, p.Arg982Leu (NM_001351834.2); short protein forms R982L.
Identifiers: ClinVar variation 1058846 (VCV001058846.15), dbSNP rs749471737, ClinGen allele CA382547161.